The following is an entry in ClinVar:

ClinVar aggregate classification (germline): Benign/Likely benign. Review status: criteria provided, multiple submitters, no conflicts (2 of 4 stars). 3 submissions from 3 submitters: Benign (1); Likely benign (2). Last evaluated 2026-06-17.

Conditions:
Gorlin syndrome. Also called: Nevoid Basal Cell Carcinoma Syndrome; Basal cell nevus syndrome. Identifiers: Orphanet 377, MedGen C0004779, MONDO:0007187.
Hereditary cancer-predisposing syndrome. Also called: Neoplastic Syndromes, Hereditary; Hereditary Cancer Syndrome; Tumor predisposition; Hereditary neoplastic syndrome. Identifiers: Orphanet 140162, MedGen C0027672, MeSH D009386, MONDO:0015356.

Allele frequency attached by ClinVar (database versions not stated): gnomAD 0.00001; gnomAD exomes 0.00001 and 0.00002; TOPMed 0.00002; ESP Exome Variant Server 0.00008; ExAC 0.00002.
gnomAD v4.1: 18 of 1,614,010 alleles (0.0011%); highest among the groups gnomAD compares: Non-Finnish European, 0.00051%; no homozygotes.

Submissions (3):

Ambry Genetics
Classification: Likely benign for Hereditary cancer-predisposing syndrome. Last evaluated: 2026-06-17. Review status: criteria provided, single submitter. Criteria: Ambry Variant Classification Scheme 2023. Collection method: clinical testing. Allele origin: germline.

Women's Health and Genetics/Laboratory Corporation of America, LabCorp
Classification: Likely benign. Last evaluated: 2026-06-15. Review status: criteria provided, single submitter. Criteria: LabCorp Variant Classification Summary - May 2015. Collection method: clinical testing. Allele origin: germline.
Comment: Variant summary: PTCH1 c.463C>T (p.Pro155Ser) results in a non-conservative amino acid change in the encoded protein sequence. Algorithms developed to predict the effect of missense changes on protein structure and function are either unavailable or do not agree on the potential impact of this missense change. The variant allele was found at a frequency of 1.1e-05 in 1614010 control chromosomes, predominantly at a frequency of 0.00041 within the Ashkenazi Jewish subpopulation in the gnomAD v4 database. The observed variant frequency within Ashkenazi Jewish control individuals in the gnomAD database exceeds the estimated maximal expected allele frequency for disease-causing variants in PTCH1. To our knowledge, no occurrence of c.463C>T in individuals affected with PTCH1-related conditions and no experimental evidence demonstrating its impact on protein function have been reported. ClinVar contains an entry for this variant (Variation ID: 409216). Based on the evidence outlined above, the variant was classified as likely benign.

Labcorp Genetics (formerly Invitae), Labcorp
Classification: Benign for Gorlin syndrome. Last evaluated: 2026-01-28. Review status: criteria provided, single submitter. Criteria: Invitae Variant Classification Sherloc (09022015). Collection method: clinical testing. Allele origin: germline.

NM_000264.5(PTCH1):c.463C>T (p.Pro155Ser)

Gene: PTCH1 (patched 1; minus strand). Cytogenetic location: 9q22.32.
Variant type: single nucleotide variant.
Coding change: c.463C>T on transcript NM_000264.5 (MANE Select); coding-DNA position 463, C replaced by T.
Protein change: p.Pro155Ser; replaces proline 155 with serine.
Molecular consequence: missense variant. On other transcripts: non-coding transcript variant (1).
Genome position (GRCh38, 1-based): chr9:95,485,806, G>A on the plus strand (C>T on the coding strand, the complement: PTCH1 is on the minus strand). VCF-style: chr9-95485806-G-A. GRCh37 (hg19) VCF-style: chr9-98248088-G-A.
Other names: c.265C>T, p.Pro89Ser (NM_001083602.3, NM_001354919.2); c.460C>T, p.Pro154Ser (NM_001083603.3); c.10C>T, p.Pro4Ser (NM_001083604.3, NM_001083605.3, NM_001083606.3 and 1 more transcripts); c.463C>T, p.Pro155Ser (NM_001354918.2); short protein forms P155S, P89S, P154S, P4S.
Identifiers: ClinVar variation 409216 (VCV000409216.16), dbSNP rs369105527, ClinGen allele CA5138935.
Genomic context (GRCh38, chr9:95,485,806, plus strand): 5'-GCGCTTCTGTGGTCAGGACATTAGCACCTTCTTCTTTAGGGGTCTGTATCATGAGTTGAG[G>A]ATTAAACATAGCCTCTTCTCCAATCTTCTGGCGAGTATAATTTAATTCACGACTTACTCG-3'
Protein context (NP_000255.2, residues 145-165): QKIGEEAMFN[Pro155Ser]QLMIQTPKEE